The following is an entry in ClinVar:

NM_001374259.2(IL12RB2):c.1001T>C (p.Ile334Thr)

Gene: IL12RB2 (interleukin 12 receptor subunit beta 2; plus strand). Cytogenetic location: 1p31.3.
Variant type: single nucleotide variant.
Coding change: c.1001T>C on transcript NM_001374259.2 (MANE Select); coding-DNA position 1001, T replaced by C.
Protein change: p.Ile334Thr; replaces isoleucine 334 with threonine.
Molecular consequence: missense variant. On other transcripts: non-coding transcript variant (2).
Genome position (GRCh38, 1-based): chr1:67,338,666, T>C. VCF-style: chr1-67338666-T-C. GRCh37 (hg19) VCF-style: chr1-67804349-T-C.
Other names: c.1001T>C, p.Ile334Thr (NM_001258214.1, NM_001258215.1, NM_001258216.1 and 2 more transcripts); short protein forms I334T.
Identifiers: ClinVar variation 4737164 (VCV004737164.1).

ClinVar aggregate classification (germline): Uncertain significance (1 of 4 stars; one submission).

gnomAD v4.1: 19 of 1,558,702 alleles (0.0012%); highest among the groups gnomAD compares: Admixed American, 0.0033%; no homozygotes.

Submission:

Labcorp Genetics (formerly Invitae), Labcorp
Classification: Uncertain significance. Last evaluated: 2025-10-14. Review status: criteria provided, single submitter. Criteria: Invitae Variant Classification Sherloc (09022015). Collection method: clinical testing. Allele origin: germline.
Comment: This sequence change replaces isoleucine, which is neutral and non-polar, with threonine, which is neutral and polar, at codon 334 of the IL12RB2 protein (p.Ile334Thr). This variant is present in population databases (rs201336326, gnomAD 0.003%). This variant has not been reported in the literature in individuals affected with IL12RB2-related conditions. An algorithm developed to predict the effect of missense changes on protein structure and function outputs the following: PolyPhen-2: "Benign". The threonine amino acid residue is found in multiple mammalian species, which suggests that this missense change does not adversely affect protein function. In summary, the available evidence is currently insufficient to determine the role of this variant in disease. Therefore, it has been classified as a Variant of Uncertain Significance.